The following is an entry in ClinVar:

ClinVar aggregate classification (germline): Uncertain significance. Review status: criteria provided, multiple submitters, no conflicts (2 of 4 stars). 3 submissions from 3 submitters: Uncertain significance (3). Last evaluated 2024-12-03.

gnomAD v4.1: 70 of 1,613,226 alleles (0.0043%); highest among the groups gnomAD compares: Admixed American, 0.11%; no homozygotes.

Submissions (3):

Labcorp Genetics (formerly Invitae), Labcorp
Classification: Uncertain significance. Last evaluated: 2024-12-03. Review status: criteria provided, single submitter. Criteria: Invitae Variant Classification Sherloc (09022015). Collection method: clinical testing. Allele origin: germline.
Comment: This sequence change replaces serine, which is neutral and polar, with phenylalanine, which is neutral and non-polar, at codon 254 of the MED17 protein (p.Ser254Phe). This variant is present in population databases (rs369349413, gnomAD 0.2%). This variant has not been reported in the literature in individuals affected with MED17-related conditions. ClinVar contains an entry for this variant (Variation ID: 1337596). Invitae Evidence Modeling of protein sequence and biophysical properties (such as structural, functional, and spatial information, amino acid conservation, physicochemical variation, residue mobility, and thermodynamic stability) indicates that this missense variant is not expected to disrupt MED17 protein function with a negative predictive value of 80%. In summary, the available evidence is currently insufficient to determine the role of this variant in disease. Therefore, it has been classified as a Variant of Uncertain Significance.

Blueprint Genetics
Classification: Uncertain significance. Last evaluated: 2021-05-27. Review status: criteria provided, single submitter. Criteria: ACMG Guidelines, 2015. Collection method: clinical testing. Allele origin: germline.

Genetic Services Laboratory, University of Chicago
Classification: Uncertain significance. Last evaluated: 2020-05-01. Review status: criteria provided, single submitter. Criteria: ACMG Guidelines, 2015. Collection method: clinical testing. Allele origin: germline. Affected: no.
Comment: DNA sequence analysis of the MED17 gene demonstrated a sequence change, c.761C>T, in exon 4 that results in an amino acid change, p.Ser254Phe. This sequence change does not appear to have been previously described in patients with MED17-related disorders and has been described in the gnomAD database with a frequency of 0.18% in the Latino sub-population (dbSNP rs369349413). The p.Ser254Phe change affects a highly conserved amino acid residue located in a domain of the MED17 protein that is known to be functional. In-silico pathogenicity prediction tools (SIFT, PolyPhen2, Align GVGD, REVEL) provide contradictory results for the p.Ser254Phe substitution. Due to these contrasting evidences and the lack of functional studies, the clinical significance of the p.Ser254Phe change remains unknown at this time.

NM_004268.5(MED17):c.761C>T (p.Ser254Phe)

Gene: MED17 (mediator complex subunit 17; plus strand). Cytogenetic location: 11q21.
Variant type: single nucleotide variant.
Coding change: c.761C>T on transcript NM_004268.5 (MANE Select); coding-DNA position 761, C replaced by T.
Protein change: p.Ser254Phe; replaces serine 254 with phenylalanine.
Molecular consequence: missense variant.
Genome position (GRCh38, 1-based): chr11:93,793,851, C>T. VCF-style: chr11-93793851-C-T. GRCh37 (hg19) VCF-style: chr11-93527017-C-T.
Other names: short protein forms S254F.
Identifiers: ClinVar variation 1337596 (VCV001337596.8), dbSNP rs369349413, ClinGen allele CA6232402.
Genomic context (GRCh38, chr11:93,793,851, plus strand): 5'-AAAAGATACCTGAAGATTACTGTCCTCTTGATGTCCAAATTCCTAGTGATTTAGAGGGGT[C>T]TGCATATATCAAGGTATTTGTCAAAATATTTTTCAAGTAATTTCTTACGAATAGCCTGAA-3'
Protein context (NP_004259.3, residues 244-264): DVQIPSDLEG[Ser254Phe]AYIKVSIQKQ